The following is an entry in ClinVar:

NM_004068.4(AP2M1):c.268G>A (p.Ala90Thr)

Gene: AP2M1 (adaptor related protein complex 2 subunit mu 1; plus strand). Cytogenetic location: 3q27.1.
Variant type: single nucleotide variant.
Coding change: c.268G>A on transcript NM_004068.4 (MANE Select); coding-DNA position 268, G replaced by A.
Protein change: p.Ala90Thr; replaces alanine 90 with threonine.
Molecular consequence: missense variant.
Genome position (GRCh38, 1-based): chr3:184,179,050, G>A. VCF-style: chr3-184179050-G-A. GRCh37 (hg19) VCF-style: chr3-183896838-G-A.
Other names: c.268G>A, p.Ala90Thr (NM_001025205.2); c.343G>A, p.Ala115Thr (NM_001311198.2); short protein forms A115T, A90T.
Identifiers: ClinVar variation 3707276 (VCV003707276.2).

ClinVar aggregate classification (germline): Uncertain significance (1 of 4 stars; one submission).

gnomAD v4.1: 9 of 1,614,174 alleles (0.00056%); highest among the groups gnomAD compares: Admixed American, 0.0017%; no homozygotes.

Submission:

Labcorp Genetics (formerly Invitae), Labcorp
Classification: Uncertain significance. Last evaluated: 2025-01-08. Review status: criteria provided, single submitter. Criteria: Invitae Variant Classification Sherloc (09022015). Collection method: clinical testing. Allele origin: germline.
Comment: This sequence change replaces alanine, which is neutral and non-polar, with threonine, which is neutral and polar, at codon 90 of the AP2M1 protein (p.Ala90Thr). This variant is present in population databases (no rsID available, gnomAD 0.003%). This variant has not been reported in the literature in individuals affected with AP2M1-related conditions. An algorithm developed to predict the effect of missense changes on protein structure and function (PolyPhen-2) suggests that this variant is likely to be tolerated. In summary, the available evidence is currently insufficient to determine the role of this variant in disease. Therefore, it has been classified as a Variant of Uncertain Significance.